The following is an entry in ClinVar:

NM_001130438.3(SPTAN1):c.4536C>T (p.Ile1512=)

Gene: SPTAN1 (spectrin alpha, non-erythrocytic 1; plus strand). Cytogenetic location: 9q34.11.
Variant type: single nucleotide variant.
Coding change: c.4536C>T on transcript NM_001130438.3 (MANE Select); coding-DNA position 4536, C replaced by T.
Protein change: p.Ile1512=; no amino-acid change (isoleucine 1512 retained).
Molecular consequence: synonymous variant.
Genome position (GRCh38, 1-based): chr9:128,608,918, C>T. VCF-style: chr9-128608918-C-T. GRCh37 (hg19) VCF-style: chr9-131371197-C-T.
Other names: p.Ile1512=; c.4476C>T, p.Ile1492= (NM_001195532.2, NM_001363765.2); c.4536C>T, p.Ile1512= (NM_001363759.2, NM_003127.4).
Identifiers: ClinVar variation 378660 (VCV000378660.45), dbSNP rs367772623, ClinGen allele CA5265206.

ClinVar aggregate classification (germline): Benign/Likely benign. Review status: criteria provided, multiple submitters, no conflicts (2 of 4 stars). 8 submissions from 8 submitters: Benign (2); Likely benign (6). Last evaluated 2026-09-01.

Conditions:
Inborn genetic diseases. Identifiers: MedGen C0950123, MeSH D030342.
Developmental and epileptic encephalopathy, 5 (DEE5). Identifiers: Orphanet 3451, MedGen C3150731, MONDO:0013277, OMIM 613477.
Early-infantile DEE. Also called: Ohtahara syndrome; Early infantile epileptic encephalopathy; Early infantile epileptic encephalopathy with suppression bursts. Identifiers: Orphanet 1934, MedGen C0393706, MONDO:0800491.

Allele frequency attached by ClinVar (database versions not stated): 1000 Genomes Project 30x 0.00016; 1000 Genomes Project 0.00020; gnomAD 0.00027; gnomAD exomes 0.00029; ExAC 0.00031; TOPMed 0.00036; ESP Exome Variant Server 0.00038.
gnomAD v4.1: 501 of 1,614,204 alleles (0.031%); highest among the groups gnomAD compares: Admixed American, 0.048%; no homozygotes.

Submissions (8):

CeGaT Center for Human Genetics Tuebingen
Classification: Likely benign. Last evaluated: 2026-09-01. Review status: criteria provided, single submitter. Criteria: CeGaT Center For Human Genetics Tuebingen Variant Classification Criteria Version 2. Collection method: clinical testing. Allele origin: germline. Affected: yes. Observed: 7 variant alleles.
Comment: SPTAN1: BP4, BP7

Labcorp Genetics (formerly Invitae), Labcorp
Classification: Likely benign for Early-infantile DEE. Last evaluated: 2025-12-22. Review status: criteria provided, single submitter. Criteria: Invitae Variant Classification Sherloc (09022015). Collection method: clinical testing. Allele origin: germline.

Mayo Clinic Laboratories, Mayo Clinic
Classification: Likely benign. Last evaluated: 2025-09-30. Review status: criteria provided, single submitter. Criteria: ACMG Guidelines, 2015. Collection method: clinical testing. Allele origin: germline. Observed: 1 variant allele.
Comment: BS2, BP4, BP7

Blueprint Genetics
Classification: Likely benign. Last evaluated: 2024-11-20. Review status: criteria provided, single submitter. Criteria: ACMG Guidelines, 2015. Collection method: clinical testing. Allele origin: germline.

Fulgent Genetics
Classification: Likely benign for Developmental and epileptic encephalopathy, 5. Last evaluated: 2022-04-04. Review status: criteria provided, single submitter. Criteria: ACMG Guidelines, 2015. Collection method: clinical testing. Allele origin: unknown.

Genome-Nilou Lab
Classification: Benign for Developmental and epileptic encephalopathy, 5. Last evaluated: 2021-07-15. Review status: criteria provided, single submitter. Criteria: ACMG Guidelines, 2015. Collection method: clinical testing. Allele origin: germline. Affected: no.

Ambry Genetics
Classification: Likely benign for Inborn genetic diseases. Last evaluated: 2016-11-29. Review status: criteria provided, single submitter. Criteria: Ambry Variant Classification Scheme 2023. Collection method: clinical testing. Allele origin: germline.

GeneDx
Classification: Benign. Last evaluated: 2015-04-15. Review status: criteria provided, single submitter. Criteria: GeneDx Variant Classification (06012015). Collection method: clinical testing. Allele origin: germline. Affected: yes.
Comment: This variant is considered likely benign or benign based on one or more of the following criteria: it is a conservative change, it occurs at a poorly conserved position in the protein, it is predicted to be benign by multiple in silico algorithms, and/or has population frequency not consistent with disease.